The following is an entry in ClinVar:

ClinVar aggregate classification (germline): Likely benign. Review status: criteria provided, single submitter (1 of 4 stars). 2 submissions from 2 submitters: Likely benign (1). 1 of the submissions does not count toward it. Last evaluated 2024-06-24.

Conditions:
IFT74-related disorder. Also called: IFT74-related condition; IFT74-Related Disorders.

Allele frequency attached by ClinVar (database versions not stated): ExAC 0.00001; gnomAD exomes 0.00002 and 0.00007; TOPMed 0.00003; gnomAD 0.00004.
gnomAD v4.1: 110 of 1,599,510 alleles (0.0069%); highest among the groups gnomAD compares: Non-Finnish European, 0.009%; no homozygotes.

Submissions (2):

Labcorp Genetics (formerly Invitae), Labcorp
Classification: Likely benign. Last evaluated: 2024-06-24. Review status: criteria provided, single submitter. Criteria: Invitae Variant Classification Sherloc (09022015). Collection method: clinical testing. Allele origin: germline.

PreventionGenetics, part of Exact Sciences
Classification: Likely benign for IFT74-related condition. Last evaluated: 2022-02-14. Review status: no assertion criteria provided. Collection method: clinical testing. Allele origin: germline. Not counted in ClinVar's aggregate classification.
Comment: This variant is classified as likely benign based on ACMG/AMP sequence variant interpretation guidelines (Richards et al. 2015 PMID: 25741868, with internal and published modifications).

NM_025103.4(IFT74):c.1242C>A (p.Thr414=)

Gene: IFT74 (intraflagellar transport 74; plus strand). Cytogenetic location: 9p21.2.
Variant type: single nucleotide variant.
Coding change: c.1242C>A on transcript NM_025103.4 (MANE Select); coding-DNA position 1242, C replaced by A.
Protein change: p.Thr414=; no amino-acid change (threonine 414 retained).
Molecular consequence: synonymous variant.
Genome position (GRCh38, 1-based): chr9:27,048,183, C>A. VCF-style: chr9-27048183-C-A. GRCh37 (hg19) VCF-style: chr9-27048181-C-A.
Other names: c.1242C>A (NM_025103.2); c.1242C>A, p.Thr414= (NM_001099222.3, NM_001099223.3, NM_001349928.2).
Identifiers: ClinVar variation 1673992 (VCV001673992.10), dbSNP rs775064331, ClinGen allele CA5015614.